The following is an entry in ClinVar:

ClinVar aggregate classification (germline): Uncertain significance (1 of 4 stars; one submission).

Conditions:
Aortic valve disease 2 (AOVD2). Identifiers: MedGen C3542024, MONDO:0013902, OMIM 614823.

gnomAD v4.1: 4 of 1,356,348 alleles (0.00029%); highest among the groups gnomAD compares: African/African-American, 0.0015%; no homozygotes.

Submission:

Labcorp Genetics (formerly Invitae), Labcorp
Classification: Uncertain significance for Aortic valve disease 2. Last evaluated: 2020-11-02. Review status: criteria provided, single submitter. Criteria: Invitae Variant Classification Sherloc (09022015). Collection method: clinical testing. Allele origin: germline.
Comment: In summary, the available evidence is currently insufficient to determine the role of this variant in disease. Therefore, it has been classified as a Variant of Uncertain Significance. Algorithms developed to predict the effect of missense changes on protein structure and function are either unavailable or do not agree on the potential impact of this missense change (SIFT: "Deleterious"; PolyPhen-2: "Probably Damaging"; Align-GVGD: "Class C0"). This variant has not been reported in the literature in individuals with SMAD6-related conditions. The frequency data for this variant in the population databases is considered unreliable, as metrics indicate insufficient coverage at this position in the ExAC database. This sequence change replaces arginine with cysteine at codon 198 of the SMAD6 protein (p.Arg198Cys). The arginine residue is highly conserved and there is a large physicochemical difference between arginine and cysteine.

NM_005585.5(SMAD6):c.592C>T (p.Arg198Cys)

Gene: SMAD6 (SMAD family member 6; plus strand). Cytogenetic location: 15q22.31.
Variant type: single nucleotide variant.
Coding change: c.592C>T on transcript NM_005585.5 (MANE Select); coding-DNA position 592, C replaced by T.
Protein change: p.Arg198Cys; replaces arginine 198 with cysteine.
Molecular consequence: missense variant. On other transcripts: non-coding transcript variant (1).
Genome position (GRCh38, 1-based): chr15:66,703,850, C>T. VCF-style: chr15-66703850-C-T. GRCh37 (hg19) VCF-style: chr15-66996188-C-T.
Other names: short protein forms R198C.
Identifiers: ClinVar variation 1439072 (VCV001439072.8), dbSNP rs1261743877, ClinGen allele CA392949857.